The following is an entry in ClinVar:

NM_003907.3(EIF2B5):c.631A>G (p.Arg211Gly)

Gene: EIF2B5 (eukaryotic translation initiation factor 2B subunit epsilon; plus strand). Cytogenetic location: 3q27.1.
Variant type: single nucleotide variant.
Coding change: c.631A>G on transcript NM_003907.3 (MANE Select); coding-DNA position 631, A replaced by G.
Protein change: p.Arg211Gly; replaces arginine 211 with glycine.
Molecular consequence: missense variant.
Genome position (GRCh38, 1-based): chr3:184,138,022, A>G. VCF-style: chr3-184138022-A-G. GRCh37 (hg19) VCF-style: chr3-183855810-A-G.
Other names: short protein forms R211G.
Identifiers: ClinVar variation 4525900 (VCV004525900.1).
Genomic context (GRCh38, chr3:184,138,022, plus strand): 5'-AGCCACCCAACTCGTTGCCACGAAGACAATGTGGTAGTGGCTGTGGATAGTACCACAAAC[A>G]GGGTTCTCCATTTTCAGAAGACCCAGGGTCTCCGGCGTTTTGCATTTCCTCTGGTGTGTG-3'
Protein context (NP_003898.2, residues 201-221): VVVAVDSTTN[Arg211Gly]VLHFQKTQGL

ClinVar aggregate classification (germline): Uncertain significance (1 of 4 stars; one submission).

Submission:

Women's Health and Genetics/Laboratory Corporation of America, LabCorp
Classification: Uncertain significance. Last evaluated: 2025-07-15. Review status: criteria provided, single submitter. Criteria: LabCorp Variant Classification Summary - May 2015. Collection method: clinical testing. Allele origin: germline.
Comment: Variant summary: EIF2B5 c.631A>G (p.Arg211Gly) results in a non-conservative amino acid change in the encoded protein sequence. Algorithms developed to predict the effect of missense changes on protein structure and function all suggest that this variant is likely to be disruptive. The variant allele was found at a frequency of 1.6e-05 in 251090 control chromosomes (gnomAD). c.631A>G has been observed in individuals affected with clinical features of Leukoencephalopathy With Vanishing White Matter (van der Lei_2012, Slynko_2021). These data indicate that the variant may be associated with disease. To our knowledge, no experimental evidence demonstrating an impact on protein function has been reported. The following publications have been ascertained in the context of this evaluation (PMID: 34745209, 33432707, 22430157). No submitters have cited clinical-significance assessments for this variant to ClinVar. Based on the evidence outlined above, the variant was classified as VUS-possibly pathogenic.

Literature cited by the submitters: PubMed 33432707; PubMed 34745209; PubMed 22430157.